The following is an entry in ClinVar:

NM_000059.4(BRCA2):c.4684C>T (p.Gln1562Ter)

Gene: BRCA2 (BRCA2 DNA repair associated; plus strand). Cytogenetic location: 13q13.1.
Variant type: single nucleotide variant.
Coding change: c.4684C>T on transcript NM_000059.4 (MANE Select); coding-DNA position 4684, C replaced by T.
Protein change: p.Gln1562Ter; replaces glutamine 1562 with a stop codon.
Molecular consequence: nonsense.
Genome position (GRCh38, 1-based): chr13:32,339,039, C>T. VCF-style: chr13-32339039-C-T. GRCh37 (hg19) VCF-style: chr13-32913176-C-T.
Other names: short protein forms Q1562*.
Identifiers: ClinVar variation 51696 (VCV000051696.3), dbSNP rs397507737, ClinGen allele CA020641.
Genomic context (GRCh38, chr13:32,339,039, plus strand): 5'-GTGAAAAACCTTTTTGATGAAAAAGAGCAAGGTACTAGTGAAATCACCAGTTTTAGCCAT[C>T]AATGGGCAAAGACCCTAAAGTACAGAGAGGCCTGTAAAGACCTTGAATTAGCATGTGAGA-3'

ClinVar aggregate classification (germline): Pathogenic. Review status: reviewed by expert panel (3 of 4 stars). 2 submissions from 2 submitters: Pathogenic (1). 1 of the submissions does not count toward it. Last evaluated 2017-12-15.

Conditions:
Breast-ovarian cancer, familial, susceptibility to, 2 (BROVCA2). Also called: BRCA2 Hereditary Breast and Ovarian Cancer. Identifiers: Orphanet 145, MedGen C2675520, MONDO:0012933, OMIM 612555. Disease mechanism: loss of function.
Familial cancer of breast. Also called: BREAST CANCER, FAMILIAL; Hereditary breast cancer; hereditary breast carcinoma. Identifiers: Orphanet 227535, MedGen C0346153, MONDO:0016419, OMIM 114480. Disease mechanism: loss of function.

Submissions (2):

Evidence-based Network for the Interpretation of Germline Mutant Alleles (ENIGMA)
Classification: Pathogenic for Breast-ovarian cancer, familial, susceptibility to, 2. Last evaluated: 2017-12-15. Review status: reviewed by expert panel. Criteria: ENIGMA BRCA1/2 Classification Criteria (2017-06-29). Collection method: curation. Allele origin: germline. Study: ENIGMA.
Comment: Variant allele predicted to encode a truncated non-functional protein.

ClinVar Staff, National Center for Biotechnology Information (NCBI)
No classification provided. Condition: Familial cancer of breast. Review status: no classification provided. Collection method: literature only. Allele origin: germline. Affected: yes. Not counted in ClinVar's aggregate classification.

Literature cited by the submitters: PubMed 22762150 (cited by ClinVar Staff, National Center for Biotechnology Information (NCBI)).